The following is an entry in ClinVar:

NM_001366385.1(CARD14):c.1105G>A (p.Asp369Asn)

Gene: CARD14 (caspase recruitment domain family member 14; plus strand). Cytogenetic location: 17q25.3.
Variant type: single nucleotide variant.
Coding change: c.1105G>A on transcript NM_001366385.1 (MANE Select); coding-DNA position 1105, G replaced by A.
Protein change: p.Asp369Asn; replaces aspartic acid 369 with asparagine.
Molecular consequence: missense variant. On other transcripts: non-coding transcript variant (1).
Genome position (GRCh38, 1-based): chr17:80,191,338, G>A. VCF-style: chr17-80191338-G-A. GRCh37 (hg19) VCF-style: chr17-78165137-G-A.
Other names: c.1105G>A, p.Asp369Asn (NM_001257970.1, NM_024110.4); c.394G>A, p.Asp132Asn (NM_052819.3); short protein forms D369N, D132N.
Identifiers: ClinVar variation 2200613 (VCV002200613.4), dbSNP rs1230559305, ClinGen allele CA401345725.

ClinVar aggregate classification (germline): Uncertain significance (1 of 4 stars; one submission).

Conditions:
Pityriasis rubra pilaris (PRP). Also called: Pityriasis rubra pilaris--familial type. Identifiers: Orphanet 2897, MedGen C0032027, MONDO:0100017, OMIM 173200, MONDO:0008251.
Psoriasis 2. Identifiers: MedGen C1864497, MONDO:0011269, OMIM 602723.

Allele frequency attached by ClinVar (database versions not stated): TOPMed below 0.00001; gnomAD 0.00001.
gnomAD v4.1: 2 of 1,613,506 alleles (0.00012%); highest among the groups gnomAD compares: Non-Finnish European, 0.000085%; no homozygotes.

Submission:

Labcorp Genetics (formerly Invitae), Labcorp
Classification: Uncertain significance for Pityriasis rubra pilaris; Psoriasis 2. Last evaluated: 2022-02-11. Review status: criteria provided, single submitter. Criteria: Invitae Variant Classification Sherloc (09022015). Collection method: clinical testing. Allele origin: germline.
Comment: This sequence change replaces aspartic acid, which is acidic and polar, with asparagine, which is neutral and polar, at codon 369 of the CARD14 protein (p.Asp369Asn). In summary, the available evidence is currently insufficient to determine the role of this variant in disease. Therefore, it has been classified as a Variant of Uncertain Significance. Algorithms developed to predict the effect of missense changes on protein structure and function are either unavailable or do not agree on the potential impact of this missense change (SIFT: "Deleterious"; PolyPhen-2: "Probably Damaging"; Align-GVGD: "Class C15"). This variant has not been reported in the literature in individuals affected with CARD14-related conditions. This variant is not present in population databases (gnomAD no frequency).